The following is an entry in ClinVar:

NM_004387.4(NKX2-5):c.391G>A (p.Glu131Lys)

Gene: NKX2-5 (NK2 homeobox 5; minus strand). Cytogenetic location: 5q35.1.
Variant type: single nucleotide variant.
Coding change: c.391G>A on transcript NM_004387.4 (MANE Select); coding-DNA position 391, G replaced by A.
Protein change: p.Glu131Lys; replaces glutamic acid 131 with lysine.
Molecular consequence: missense variant. On other transcripts: 3 prime UTR variant (2).
Genome position (GRCh38, 1-based): chr5:173,233,153, C>T on the plus strand (G>A on the coding strand, the complement: NKX2-5 is on the minus strand). VCF-style: chr5-173233153-C-T. GRCh37 (hg19) VCF-style: chr5-172660156-C-T.
Other names: c.*344G>A (NM_001166175.2); c.*190G>A (NM_001166176.2); short protein forms E131K.
Identifiers: ClinVar variation 219168 (VCV000219168.2), dbSNP rs864321648, ClinGen allele CA279909.

ClinVar aggregate classification (germline): Pathogenic (0 of 4 stars; one submission).

Conditions:
Congenital heart disease (CHD). Identifiers: MedGen C0152021, MONDO:0005453. Disease mechanism: unknown.

Submission:

Cytogenetics- Mohapatra Lab, Banaras Hindu University
Classification: Pathogenic for Congenital heart disease. Last evaluated: 2012-11-02. Review status: no assertion criteria provided. Collection method: case-control. Allele origin: de novo. Affected: yes. Observed: 2 variant alleles.
Comment: Atrial septal defect